The following is an entry in ClinVar:

NM_001184.4(ATR):c.1930C>T (p.Pro644Ser)

Gene: ATR (ATR serine/threonine kinase; minus strand). Cytogenetic location: 3q23.
Variant type: single nucleotide variant.
Coding change: c.1930C>T on transcript NM_001184.4 (MANE Select); coding-DNA position 1930, C replaced by T.
Protein change: p.Pro644Ser; replaces proline 644 with serine.
Molecular consequence: missense variant.
Genome position (GRCh38, 1-based): chr3:142,556,531, G>A on the plus strand (C>T on the coding strand, the complement: ATR is on the minus strand). VCF-style: chr3-142556531-G-A. GRCh37 (hg19) VCF-style: chr3-142275373-G-A.
Other names: c.1738C>T, p.Pro580Ser (NM_001354579.2); short protein forms P580S, P644S.
Identifiers: ClinVar variation 3462585 (VCV003462585.1).
Genomic context (GRCh38, chr3:142,556,531, plus strand): 5'-GGGAGCTCTGCAGGGCCCAGTTGTAAACTGCTGTTCTCCACTCAAGGAATATTCTTCTTG[G>A]AAACAGAGTCAGAAGAAACACACATCGTGATTGTGCCTGTGGTGCTGAAAAAATTAAGTC-3'
Protein context (NP_001175.2, residues 634-654): SRCVFLLTLF[Pro644Ser]RRIFLEWRTA

ClinVar aggregate classification (germline): Uncertain significance (1 of 4 stars; one submission).

Conditions:
Inborn genetic diseases. Identifiers: MedGen C0950123, MeSH D030342.

gnomAD v4.1: 1 of 1,614,034 alleles (0.000062%); highest among the groups gnomAD compares: South Asian, 0.0011%; no homozygotes.

Submission:

Ambry Genetics
Classification: Uncertain significance for Inborn genetic diseases. Last evaluated: 2024-09-01. Review status: criteria provided, single submitter. Criteria: Ambry Variant Classification Scheme 2023. Collection method: clinical testing. Allele origin: germline.
Comment: The p.P644S variant (also known as c.1930C>T), located in coding exon 9 of the ATR gene, results from a C to T substitution at nucleotide position 1930. The proline at codon 644 is replaced by serine, an amino acid with similar properties. This amino acid position is conserved. In addition, this alteration is predicted to be tolerated by in silico analysis. Based on the available evidence, the clinical significance of this variant remains unclear.